The following is an entry in ClinVar:

ClinVar aggregate classification (germline): Pathogenic (1 of 4 stars; one submission).

Conditions:
Christianson syndrome (MRXSCH). Also called: X-linked mental retardation, syndromic, Christianson type; SLC9A6-Related Syndromic Mental Retardation; INTELLECTUAL DEVELOPMENTAL DISORDER, X-LINKED, SYNDROMIC, CHRISTIANSON TYPE. Identifiers: Orphanet 85278, MedGen C2678194, MONDO:0010278, OMIM 300243.

Submission:

Labcorp Genetics (formerly Invitae), Labcorp
Classification: Pathogenic for Christianson syndrome. Last evaluated: 2024-11-05. Review status: criteria provided, single submitter. Criteria: Invitae Variant Classification Sherloc (09022015). Collection method: clinical testing. Allele origin: germline.
Comment: This sequence change creates a premature translational stop signal (p.Phe493Trpfs*18) in the SLC9A6 gene. It is expected to result in an absent or disrupted protein product. Loss-of-function variants in SLC9A6 are known to be pathogenic (PMID: 18342287). This variant is not present in population databases (gnomAD no frequency). This variant has not been reported in the literature in individuals affected with SLC9A6-related conditions. For these reasons, this variant has been classified as Pathogenic.

Literature cited by the submitters: PubMed 18342287.

NM_001379110.1(SLC9A6):c.1418_1419del (p.Phe473fs)

Gene: SLC9A6 (solute carrier family 9 member A6; plus strand). Cytogenetic location: Xq26.3.
Variant type: Deletion.
Coding change: c.1418_1419del on transcript NM_001379110.1 (MANE Select); coding-DNA positions 1418 to 1419, 2 bases deleted (TT; older notation c.1418_1419delTT).
Protein change: p.Phe473fs; shifts the reading frame from phenylalanine 473.
Molecular consequence: frameshift variant.
Genome position (GRCh38, 1-based): chrX:136,024,441-136,024,442, TT deleted; deleting any 2 consecutive bases within chrX:136,024,440-136,024,442 gives the same sequence; the c. name uses the placement nearest the transcript's 3' end. VCF-style (leftmost placement, unchanged base first): chrX-136024439-ATT-A. GRCh37 (hg19) VCF-style: chrX-135106598-ATT-A.
Other names: c.1574_1575del, p.Phe525fs (NM_001042537.2); c.1418_1419del, p.Phe473fs (NM_001177651.2, NM_001400909.1, NM_001400910.1 and 2 more transcripts); c.1322_1323del, p.Phe441fs (NM_001330652.2, NM_001400913.1); c.1478_1479del, p.Phe493fs (NM_006359.3); short protein forms F473fs, F493fs, F525fs, F441fs.
Identifiers: ClinVar variation 3655622 (VCV003655622.2).